The following is an entry in ClinVar:

ClinVar aggregate classification (germline): Likely benign. Review status: criteria provided, multiple submitters, no conflicts (2 of 4 stars). 4 submissions from 4 submitters: Likely benign (3). 1 of the submissions does not count toward it. Last evaluated 2026-04-01.

Conditions:
FOCAD-related disorder. Also called: FOCAD-related condition.

Allele frequency attached by ClinVar (database versions not stated): 1000 Genomes Project 0.00339; 1000 Genomes Project 30x 0.00359; gnomAD exomes 0.00366; ExAC 0.00395; TOPMed 0.00434; ESP Exome Variant Server 0.00546.
gnomAD v4.1: 8,893 of 1,614,024 alleles (0.55%); highest among the groups gnomAD compares: Non-Finnish European, 0.68%; 40 homozygotes.

Submissions (4):

CeGaT Center for Human Genetics Tuebingen
Classification: Likely benign. Last evaluated: 2026-04-01. Review status: criteria provided, single submitter. Criteria: CeGaT Center For Human Genetics Tuebingen Variant Classification Criteria Version 2. Collection method: clinical testing. Allele origin: germline. Affected: yes. Observed: 9 variant alleles.
Comment: FOCAD: BP4, BS2

Labcorp Genetics (formerly Invitae), Labcorp
Classification: Likely benign. Last evaluated: 2026-01-28. Review status: criteria provided, single submitter. Criteria: Invitae Variant Classification Sherloc (09022015). Collection method: clinical testing. Allele origin: germline.

Breakthrough Genomics
Classification: Likely benign. Review status: criteria provided, single submitter. Criteria: ACMG Guidelines, 2015. Collection method: not provided. Allele origin: germline. Inheritance: Autosomal recessive inheritance. Affected: yes.

PreventionGenetics, part of Exact Sciences
Classification: Benign for FOCAD-related condition. Last evaluated: 2019-03-27. Review status: no assertion criteria provided. Collection method: clinical testing. Allele origin: germline. Not counted in ClinVar's aggregate classification.
Comment: This variant is classified as benign based on ACMG/AMP sequence variant interpretation guidelines (Richards et al. 2015 PMID: 25741868, with internal and published modifications).

NM_001375567.1(FOCAD):c.4495C>T (p.Pro1499Ser)

Gene: FOCAD (focadhesin; plus strand). Cytogenetic location: 9p21.3.
Variant type: single nucleotide variant.
Coding change: c.4495C>T on transcript NM_001375567.1 (MANE Select); coding-DNA position 4495, C replaced by T.
Protein change: p.Pro1499Ser; replaces proline 1499 with serine.
Molecular consequence: missense variant.
Genome position (GRCh38, 1-based): chr9:20,981,543, C>T. VCF-style: chr9-20981543-C-T. GRCh37 (hg19) VCF-style: chr9-20981542-C-T.
Other names: c.4390C>T, p.Pro1464Ser (NM_001375568.1, NM_001375570.1); c.4495C>T, p.Pro1499Ser (NM_017794.5); short protein forms P1499S, P1464S.
Identifiers: ClinVar variation 725916 (VCV000725916.31), dbSNP rs117591845, ClinGen allele CA5007959.
Genomic context (GRCh38, chr9:20,981,543, plus strand): 5'-GATGAACAGATCCTGGGTTTTGTTGAAAATTTAATGGTGGCAGTTTTTAAAGCAGCTTCC[C>T]CACTTGGAAGTCCTGAGCTATGCCCAAGTGCTTTACACGGTCTGAGCCAGGCCATGAAAC-3'
Protein context (NP_001362496.1, residues 1489-1509): LMVAVFKAAS[Pro1499Ser]LGSPELCPSA